The following is an entry in ClinVar:

NM_022356.4(P3H1):c.2032C>A (p.Leu678Met)

Gene: P3H1 (prolyl 3-hydroxylase 1; minus strand). Cytogenetic location: 1p34.2.
Variant type: single nucleotide variant.
Coding change: c.2032C>A on transcript NM_022356.4 (MANE Select); coding-DNA position 2032, C replaced by A.
Protein change: p.Leu678Met; replaces leucine 678 with methionine.
Molecular consequence: missense variant.
Genome position (GRCh38, 1-based): chr1:42,747,295, G>T on the plus strand (C>A on the coding strand, the complement: P3H1 is on the minus strand). VCF-style: chr1-42747295-G-T. GRCh37 (hg19) VCF-style: chr1-43212966-G-T.
Other names: c.2032C>A, p.Leu678Met (NM_001146289.2, NM_001243246.2); short protein forms L678M.
Identifiers: ClinVar variation 536815 (VCV000536815.5), dbSNP rs202209556, ClinGen allele CA801620.

ClinVar aggregate classification (germline): Uncertain significance. Review status: criteria provided, multiple submitters, no conflicts (2 of 4 stars). 2 submissions from 2 submitters: Uncertain significance (2). Last evaluated 2024-01-02.

Conditions:
Inborn genetic diseases. Identifiers: MedGen C0950123, MeSH D030342.
Osteogenesis imperfecta type 8 (OI8). Identifiers: MedGen C1970458, MONDO:0012581, OMIM 610915.

Allele frequency attached by ClinVar (database versions not stated): ExAC 0.00001; gnomAD 0.00003 and 0.00004; TOPMed 0.00008; 1000 Genomes Project 0.00020; 1000 Genomes Project 30x 0.00031.
gnomAD v4.1: 8 of 1,613,566 alleles (0.0005%); highest among the groups gnomAD compares: Admixed American, 0.01%; no homozygotes.

Submissions (2):

Ambry Genetics
Classification: Uncertain significance for Inborn genetic diseases. Last evaluated: 2024-01-02. Review status: criteria provided, single submitter. Criteria: Ambry Variant Classification Scheme 2023. Collection method: clinical testing. Allele origin: germline.

Labcorp Genetics (formerly Invitae), Labcorp
Classification: Uncertain significance for Osteogenesis imperfecta type 8. Last evaluated: 2022-07-30. Review status: criteria provided, single submitter. Criteria: Invitae Variant Classification Sherloc (09022015). Collection method: clinical testing. Allele origin: germline.
Comment: This sequence change replaces leucine, which is neutral and non-polar, with methionine, which is neutral and non-polar, at codon 678 of the P3H1 protein (p.Leu678Met). This variant is present in population databases (rs202209556, gnomAD 0.003%). This variant has not been reported in the literature in individuals affected with P3H1-related conditions. ClinVar contains an entry for this variant (Variation ID: 536815). Algorithms developed to predict the effect of missense changes on protein structure and function are either unavailable or do not agree on the potential impact of this missense change (SIFT: "Tolerated"; PolyPhen-2: "Possibly Damaging"; Align-GVGD: "Class C0"). In summary, the available evidence is currently insufficient to determine the role of this variant in disease. Therefore, it has been classified as a Variant of Uncertain Significance.